The following is an entry in ClinVar:

NM_080425.4(GNAS):c.1589C>T (p.Pro530Leu)

Gene: GNAS (GNAS complex locus; plus strand). Cytogenetic location: 20q13.32.
Variant type: single nucleotide variant.
Coding change: c.1589C>T on transcript NM_080425.4 (MANE Plus Clinical); coding-DNA position 1589, C replaced by T.
Protein change: p.Pro530Leu; replaces proline 530 with leucine.
Molecular consequence: missense variant. On other transcripts: intron variant (3).
Genome position (GRCh38, 1-based): chr20:58,854,854, C>T. VCF-style: chr20-58854854-C-T. GRCh37 (hg19) VCF-style: chr20-57429909-C-T.
Other names: c.1402C>T, p.Pro468Ser (NM_001077490.3, NM_001309883.1); c.1589C>T, p.Pro530Leu (NM_001410913.1); c.*42+13968C>T (NM_016592.5); c.43+13968C>T (NM_001410912.1); c.-39+12979C>T (NM_001309861.2); short protein forms P468S, P530L.
Identifiers: ClinVar variation 4883718 (VCV004883718.2).
Genomic context (GRCh38, chr20:58,854,854, plus strand): 5'-TCCGCCGGGCGGCCTCTGCAGCCCCTGCCTCCGGGGCCAGACGCAAGATCCATCTCAGAC[C>T]CCCCAGCCCCGAGATCCAGGCTGCCGATCCGCCTACTCCGCGGCCTACTCGCGCGTCTGC-3'
Protein context (NP_536350.2, residues 520-540): SGARRKIHLR[Pro530Leu]PSPEIQAADP

ClinVar aggregate classification (germline): Uncertain significance (1 of 4 stars; one submission).

gnomAD v4.1: 1 of 1,596,988 alleles (0.000063%); no homozygotes.

Submission:

Dasa
Classification: Uncertain significance. Last evaluated: 2025-05-16. Review status: criteria provided, single submitter. Criteria: DASA Assertion Criteria. Collection method: clinical testing. Allele origin: germline.
Comment: NM_001077490.3(GNAS):c.1402C>T (p.Pro468Ser) is a missense variant that results in the substitution of proline with serine. This variant is rare in population databases. The currently available literature and clinical evidence are not sufficient to establish a definitive association between this variant and the reported condition. Therefore, this variant is classified as a variant of uncertain significance.